The following is an entry in ClinVar:

NM_000545.8(HNF1A):c.202C>T (p.Arg68Trp)

Gene: HNF1A (HNF1 homeobox A; plus strand). Cytogenetic location: 12q24.31.
Variant type: single nucleotide variant.
Coding change: c.202C>T on transcript NM_000545.8 (MANE Select); coding-DNA position 202, C replaced by T.
Protein change: p.Arg68Trp; replaces arginine 68 with tryptophan.
Molecular consequence: missense variant.
Genome position (GRCh38, 1-based): chr12:120,978,970, C>T. VCF-style: chr12-120978970-C-T. GRCh37 (hg19) VCF-style: chr12-121416773-C-T.
Other names: NM_001306179.2:c.202C>T; c.202C>T, p.Arg68Trp (NM_001306179.2); short protein forms R68W.
Identifiers: ClinVar variation 1676690 (VCV001676690.4), dbSNP rs779442858, ClinGen allele CA6831684.

ClinVar aggregate classification (germline): Uncertain significance (3 of 4 stars; one submission).

Conditions:
Monogenic diabetes. Identifiers: Orphanet 183625, MedGen C3888631, MONDO:0015967.

Allele frequency attached by ClinVar (database versions not stated): gnomAD exomes below 0.00001; ExAC 0.00002.

Submission:

ClinGen Monogenic Diabetes Variant Curation Expert Panel
Classification: Uncertain significance for Monogenic diabetes. Last evaluated: 2025-11-26. Review status: reviewed by expert panel. Criteria: ClinGen Diabetes ACMG Specifications HNF1A V3.1.0. Collection method: curation. Allele origin: germline. Inheritance: Autosomal dominant inheritance.
Comment: The c.202C>T variant in the HNF1 homeobox A gene, HNF1A, causes an amino acid change of arginine to tryptophan at codon 68 (p.(Arg68Trp)) of NM_000545.8. This variant is predicted to be deleterious by computational evidence, with a REVEL score of 0.827, which is greater than the MDEP VCEP threshold of 0.70 (PP3). This variant has a Grpmax filtering allele frequency of 0.00000368 in gnomAD v4.1.0, which falls between ClinGen MDEP-established cutoffs for PM2_Supporting and BS1; thus, neither criterion will be applied. This variant was identified in two unrelated individuals with non-autoimmune and non-absolute/near-absolute insulin-deficient diabetes; however, PS4 cannot be applied because this number is below the ClinGen MDEP threshold (internal lab contributors). One of these individuals did have a clinical history suggestive of HNF1A-MODY (MODY probability calculator result >50%); however, HNF4A was not tested, and therefore, PP4 could not be applied (internal lab contributor). Another missense variant at the same residue, c.203G>A (p.(Arg68Gln)), has been classified as a VUS by the ClinGen MDEP; therefore, PM5 will not be applied. In summary, c.202C>T meets the criteria to be classified as a variant of uncertain significance for monogenic diabetes. ACMG/AMP criteria applied, as specified by the ClinGen MDEP (specification version 3.1.0, approved 10/10/2025): PP3.